The following is an entry in ClinVar:

ClinVar aggregate classification (germline): Likely benign (0 of 4 stars; one submission).

Conditions:
ERCC2-related disorder. Also called: ERCC2-related disorders; ERCC2-related conditions; ERCC2-related condition. Identifiers: MedGen CN239291.

Submission:

PreventionGenetics, part of Exact Sciences
Classification: Likely benign for ERCC2-related condition. Last evaluated: 2024-01-23. Review status: no assertion criteria provided. Collection method: clinical testing. Allele origin: germline.
Comment: This variant is classified as likely benign based on ACMG/AMP sequence variant interpretation guidelines (Richards et al. 2015 PMID: 25741868, with internal and published modifications).

NM_000400.4(ERCC2):c.1238-1155dup

Gene: ERCC2 (ERCC excision repair 2, TFIIH core complex helicase subunit; minus strand). Cytogenetic location: 19q13.32.
Variant type: Duplication.
Coding change: c.1238-1155dup on transcript NM_000400.4 (MANE Select); 1155 bases into the intron before coding-DNA position 1238, one base duplicated (C; older notation c.1238-1155dupC).
Molecular consequence: intron variant. On other transcripts: 3 prime UTR variant (1).
Genome position (GRCh38, 1-based): chr19:45,358,854, G duplicated on the plus strand (C on the coding strand, the reverse complement: ERCC2 is on the minus strand); the first of 6 consecutive G bases (chr19:45,358,854-45,358,859); duplicating any one gives the same sequence. VCF-style (leftmost placement, unchanged base first): chr19-45358853-T-TG. GRCh37 (hg19) VCF-style: chr19-45862111-T-TG.
Other names: c.*6dup (NM_001130867.2).
Identifiers: ClinVar variation 3061180 (VCV003061180.2), dbSNP rs777500918, ClinGen allele CA996282867.